The following is an entry in ClinVar:

ClinVar aggregate classification (germline): Uncertain significance. Review status: criteria provided, multiple submitters, no conflicts (2 of 4 stars). 2 submissions from 2 submitters: Uncertain significance (2). Last evaluated 2025-04-02.

Conditions:
Inborn genetic diseases. Identifiers: MedGen C0950123, MeSH D030342.
Schimke immuno-osseous dysplasia (SIOD). Also called: Schimke Immunoosseous Dysplasia. Identifiers: Orphanet 1830, MedGen C0877024, MONDO:0009458, OMIM 242900.

gnomAD v4.1: 1 of 1,614,118 alleles (0.000062%); highest among the groups gnomAD compares: Admixed American, 0.0017%; no homozygotes.

Submissions (2):

Ambry Genetics
Classification: Uncertain significance for Inborn genetic diseases. Last evaluated: 2025-04-02. Review status: criteria provided, single submitter. Criteria: Ambry Variant Classification Scheme 2023. Collection method: clinical testing. Allele origin: germline.

Labcorp Genetics (formerly Invitae), Labcorp
Classification: Uncertain significance for Schimke immuno-osseous dysplasia. Last evaluated: 2021-10-21. Review status: criteria provided, single submitter. Criteria: Invitae Variant Classification Sherloc (09022015). Collection method: clinical testing. Allele origin: germline.
Comment: This sequence change replaces valine with leucine at codon 242 of the SMARCAL1 protein (p.Val242Leu). The valine residue is weakly conserved and there is a small physicochemical difference between valine and leucine. This variant is not present in population databases (ExAC no frequency). This variant has not been reported in the literature in individuals affected with SMARCAL1-related conditions. Algorithms developed to predict the effect of missense changes on protein structure and function (SIFT, PolyPhen-2, Align-GVGD) all suggest that this variant is likely to be tolerated. In summary, the available evidence is currently insufficient to determine the role of this variant in disease. Therefore, it has been classified as a Variant of Uncertain Significance.

NM_014140.4(SMARCAL1):c.724G>T (p.Val242Leu)

Gene: SMARCAL1 (SNF2 related chromatin remodeling annealing helicase 1; plus strand). Cytogenetic location: 2q35.
Variant type: single nucleotide variant.
Coding change: c.724G>T on transcript NM_014140.4 (MANE Select); coding-DNA position 724, G replaced by T.
Protein change: p.Val242Leu; replaces valine 242 with leucine.
Molecular consequence: missense variant.
Genome position (GRCh38, 1-based): chr2:216,415,428, G>T. VCF-style: chr2-216415428-G-T. GRCh37 (hg19) VCF-style: chr2-217280151-G-T.
Other names: c.724G>T (NM_014140.3); c.724G>T, p.Val242Leu (NM_001127207.2); short protein forms V242L.
Identifiers: ClinVar variation 1483508 (VCV001483508.4), dbSNP rs375140716, ClinGen allele CA350497913.
Genomic context (GRCh38, chr2:216,415,428, plus strand): 5'-CTCCAGCAGAAGTCAGGGTCCTCAGTCCAAAAAGGAGTGAACTCTCAGAAGGGAAAGTGC[G>T]TAAGGAACGGCGATCGTTTCCAGGTGTTGATTGGGTACAATGCGGAACTCATTGCAGTGT-3'
Protein context (NP_054859.2, residues 232-252): KGVNSQKGKC[Val242Leu]RNGDRFQVLI